The following is an entry in ClinVar:

NM_000455.5(STK11):c.22C>G (p.Gln8Glu)

Gene: STK11 (serine/threonine kinase 11; plus strand). Cytogenetic location: 19p13.3.
Variant type: single nucleotide variant.
Coding change: c.22C>G on transcript NM_000455.5 (MANE Select); coding-DNA position 22, C replaced by G.
Protein change: p.Gln8Glu; replaces glutamine 8 with glutamic acid.
Molecular consequence: missense variant.
Genome position (GRCh38, 1-based): chr19:1,206,935, C>G. VCF-style: chr19-1206935-C-G. GRCh37 (hg19) VCF-style: chr19-1206934-C-G.
Other names: short protein forms Q8E.
Identifiers: ClinVar variation 527816 (VCV000527816.19), dbSNP rs760588289, ClinGen allele CA046619.
Genomic context (GRCh38, chr19:1,206,935, plus strand): 5'-TCAGGGCTGGCGGCGGGACTCCAGGACCCTGGGTCCAGCATGGAGGTGGTGGACCCGCAG[C>G]AGCTGGGCATGTTCACGGAGGGCGAGCTGATGTCGGTGGGTATGGACACGTTCATCCACC-3'
Protein context (NP_000446.1, residues 1-18): MEVVDPQ[Gln8Glu]LGMFTEGELM

ClinVar aggregate classification (germline): Conflicting classifications of pathogenicity. Review status: criteria provided, conflicting classifications (1 of 4 stars). 5 submissions from 5 submitters: Uncertain significance (4); Likely benign (1). Last evaluated 2026-09-11.

Conditions:
Hereditary cancer-predisposing syndrome. Also called: Hereditary Cancer Syndrome; Tumor predisposition; Hereditary neoplastic syndrome; Neoplastic Syndromes, Hereditary. Identifiers: Orphanet 140162, MedGen C0027672, MeSH D009386, MONDO:0015356.
Peutz-Jeghers syndrome (PJS). Also called: Peutz-Jeghers polyposis; Periorificial lentiginosis syndrome; POLYPOSIS, HAMARTOMATOUS INTESTINAL; POLYPS-AND-SPOTS SYNDROME. Identifiers: Orphanet 2869, MedGen C0031269, MeSH D010580, MONDO:0008280, OMIM 175200.

Allele frequency attached by ClinVar (database versions not stated): gnomAD exomes below 0.00001; ExAC 0.00003.
gnomAD v4.1: 4 of 1,594,994 alleles (0.00025%); highest among the groups gnomAD compares: Non-Finnish European, 0.00034%; no homozygotes.

Submissions (5):

Ambry Genetics
Classification: Likely benign for Hereditary cancer-predisposing syndrome. Last evaluated: 2026-09-11. Review status: criteria provided, single submitter. Criteria: Ambry Variant Classification Scheme 2023. Collection method: clinical testing. Allele origin: germline.

Labcorp Genetics (formerly Invitae), Labcorp
Classification: Uncertain significance for Peutz-Jeghers syndrome. Last evaluated: 2025-10-26. Review status: criteria provided, single submitter. Criteria: Invitae Variant Classification Sherloc (09022015). Collection method: clinical testing. Allele origin: germline.
Comment: This sequence change replaces glutamine, which is neutral and polar, with glutamic acid, which is acidic and polar, at codon 8 of the STK11 protein (p.Gln8Glu). This variant is present in population databases (rs760588289, gnomAD 0.001%). This variant has not been reported in the literature in individuals affected with STK11-related conditions. ClinVar contains an entry for this variant (Variation ID: 527816). Invitae Evidence Modeling of protein sequence and biophysical properties (such as structural, functional, and spatial information, amino acid conservation, physicochemical variation, residue mobility, and thermodynamic stability) indicates that this missense variant is not expected to disrupt STK11 protein function with a negative predictive value of 95%. In summary, the available evidence is currently insufficient to determine the role of this variant in disease. Therefore, it has been classified as a Variant of Uncertain Significance.

All of Us Research Program, National Institutes of Health
Classification: Uncertain significance for Peutz-Jeghers syndrome. Last evaluated: 2023-08-15. Review status: criteria provided, single submitter. Criteria: ACMG Guidelines, 2015. Collection method: clinical testing. Allele origin: germline. Inheritance: Autosomal dominant inheritance. Observed: 1 variant allele, 1 heterozygote.
Comment: This missense variant replaces glutamine with glutamic acid at codon 8 of the STK11 protein. Computational prediction suggests that this variant may not impact protein structure and function (internally defined REVEL score threshold <= 0.5, PMID: 27666373). To our knowledge, functional studies have not been reported for this variant. This variant has not been reported in individuals affected with STK11-related disorders in the literature. This variant has been identified in 1/215880 chromosomes in the general population by the Genome Aggregation Database (gnomAD). The available evidence is insufficient to determine the role of this variant in disease conclusively. Therefore, this variant is classified as a Variant of Uncertain Significance.

This study involves interpretation of variants in research participants for the purpose of population health screening. Participant phenotype was not available at the time of variant classification. Additional details can be found in publication PMID: 35346344, PMCID: PMC8962531

Color Diagnostics, LLC DBA Color Health
Classification: Uncertain significance for Hereditary cancer-predisposing syndrome. Last evaluated: 2023-07-24. Review status: criteria provided, single submitter. Criteria: ACMG Guidelines, 2015. Collection method: clinical testing. Allele origin: germline.
Comment: This missense variant replaces glutamine with glutamic acid at codon 8 of the STK11 protein. Computational prediction suggests that this variant may not impact protein structure and function (internally defined REVEL score threshold <= 0.5, PMID: 27666373). To our knowledge, functional studies have not been reported for this variant. This variant has not been reported in individuals affected with STK11-related disorders in the literature. This variant has been identified in 1/215880 chromosomes in the general population by the Genome Aggregation Database (gnomAD). The available evidence is insufficient to determine the role of this variant in disease conclusively. Therefore, this variant is classified as a Variant of Uncertain Significance.

Genome-Nilou Lab
Classification: Uncertain significance for Peutz-Jeghers syndrome. Last evaluated: 2021-07-15. Review status: criteria provided, single submitter. Criteria: ACMG Guidelines, 2015. Collection method: clinical testing. Allele origin: germline. Affected: no.